The following is an entry in ClinVar:

ClinVar aggregate classification (germline): Uncertain significance (1 of 4 stars; one submission).

Submission:

Mayo Clinic Laboratories, Mayo Clinic
Classification: Uncertain significance. Last evaluated: 2025-12-11. Review status: criteria provided, single submitter. Criteria: ACMG Guidelines, 2015. Collection method: clinical testing. Allele origin: germline. Observed: 1 variant allele.
Comment: BP4, PM2_supporting

NM_000288.4(PEX7):c.158C>A (p.Pro53Gln)

Gene: PEX7 (peroxisomal biogenesis factor 7; plus strand). Cytogenetic location: 6q23.3.
Variant type: single nucleotide variant.
Coding change: c.158C>A on transcript NM_000288.4 (MANE Select); coding-DNA position 158, C replaced by A.
Protein change: p.Pro53Gln; replaces proline 53 with glutamine.
Molecular consequence: missense variant.
Genome position (GRCh38, 1-based): chr6:136,825,241, C>A. VCF-style: chr6-136825241-C-A. GRCh37 (hg19) VCF-style: chr6-137146379-C-A.
Other names: p.Pro53Gln; c.44C>A, p.Pro15Gln (NM_001410945.1); short protein forms P15Q, P53Q.
Identifiers: ClinVar variation 4541222 (VCV004541222.1).